The following is an entry in ClinVar:

NM_001184880.2(PCDH19):c.2490C>G (p.Ser830Arg)

Genes: PCDH19 (protocadherin 19; minus strand), LOC125467768 (CDK7 strongly-dependent group 2 enhancer GRCh37_chrX:99657381-99658580; plus strand). Cytogenetic location: Xq22.1.
Variant type: single nucleotide variant.
Coding change: c.2490C>G on transcript NM_001184880.2 (MANE Select); coding-DNA position 2490, C replaced by G.
Protein change: p.Ser830Arg; replaces serine 830 with arginine.
Molecular consequence: missense variant.
Genome position (GRCh38, 1-based): chrX:100,402,650, G>C on the plus strand (C>G on the coding strand, the complement: PCDH19 is on the minus strand). VCF-style: chrX-100402650-G-C. GRCh37 (hg19) VCF-style: chrX-99657648-G-C.
Other names: c.2349C>G, p.Ser783Arg (NM_001105243.2, NM_020766.3); short protein forms S783R, S830R.
Identifiers: ClinVar variation 651514 (VCV000651514.10), dbSNP rs1602632480, ClinGen allele CA414005681.
Genomic context (GRCh38, chrX:100,402,650, plus strand): 5'-ATGGTAGATGTGGTTAGCACTGGTGTTGCGGGTATTCTGGTTCTCCACATTCAGGAAAGT[G>C]CTCTCAGAGCGGCGGCAGCCCAGGGGCAGCGTCTGCTGGTGGTAGTCAAAATAGTTGAGG-3'
Protein context (NP_001171809.1, residues 820-840): TLPLGCRRSE[Ser830Arg]TFLNVENQNT

ClinVar aggregate classification (germline): Uncertain significance. Review status: criteria provided, multiple submitters, no conflicts (2 of 4 stars). 2 submissions from 2 submitters: Uncertain significance (2). Last evaluated 2025-04-08.

Conditions:
Developmental and epileptic encephalopathy, 9 (DEE9). Also called: Early infantile epileptic encephalopathy 9; PCDH19-Related X-Linked Female-Limited Epilepsy with Mental Retardation; EPILEPSY, FEMALE-RESTRICTED, WITH MENTAL RETARDATION; JUBERG-HELLMAN SYNDROME. Identifiers: Orphanet 101039, Orphanet 2076, MedGen C1848137, MONDO:0010246, OMIM 300088. Disease mechanism: loss of function.

Submissions (2):

GeneDx
Classification: Uncertain significance. Last evaluated: 2025-04-08. Review status: criteria provided, single submitter. Criteria: GeneDx Variant Classification Process June 2021. Collection method: clinical testing. Allele origin: germline. Affected: yes.
Comment: Not observed at significant frequency in large population cohorts (gnomAD); In silico analysis indicates that this missense variant does not alter protein structure/function; Has not been previously published as pathogenic or benign to our knowledge

Labcorp Genetics (formerly Invitae), Labcorp
Classification: Uncertain significance for Developmental and epileptic encephalopathy, 9. Last evaluated: 2018-12-05. Review status: criteria provided, single submitter. Criteria: Invitae Variant Classification Sherloc (09022015). Collection method: clinical testing. Allele origin: germline.
Comment: This sequence change replaces serine with arginine at codon 830 of the PCDH19 protein (p.Ser830Arg). The serine residue is highly conserved and there is a moderate physicochemical difference between serine and arginine. This variant is not present in population databases (ExAC no frequency). This variant has not been reported in the literature in individuals with PCDH19-related disease. Algorithms developed to predict the effect of missense changes on protein structure and function are either unavailable or do not agree on the potential impact of this missense change (SIFT: "Deleterious"; PolyPhen-2: "Possibly Damaging"; Align-GVGD: "Class C0"). In summary, the available evidence is currently insufficient to determine the role of this variant in disease. Therefore, it has been classified as a Variant of Uncertain Significance.